The following is an entry in ClinVar:

ClinVar aggregate classification (germline): Conflicting classifications of pathogenicity. Review status: criteria provided, conflicting classifications (1 of 4 stars). 4 submissions from 4 submitters: Uncertain significance (3); Likely benign (1). Last evaluated 2026-01-13.

Conditions:
TTN-related disorder. Also called: TTN-related condition; TTN-related disease; TTN-related disorders.

Allele frequency attached by ClinVar (database versions not stated): ExAC 0.00004; gnomAD exomes 0.00004; TOPMed 0.00005; gnomAD 0.00007 and 0.00008.
gnomAD v4.1: 71 of 1,571,580 alleles (0.0045%); highest among the groups gnomAD compares: Non-Finnish European, 0.0058%; no homozygotes.

Submissions (4):

PreventionGenetics, part of Exact Sciences
Classification: Likely benign for TTN-related condition. Last evaluated: 2026-01-13. Review status: criteria provided, single submitter. Criteria: ACMG Guidelines, 2015. Collection method: clinical testing. Allele origin: germline.
Comment: This variant is classified as likely benign based on ACMG/AMP sequence variant interpretation guidelines (Richards et al. 2015 PMID: 25741868, with internal and published modifications).

GeneDx
Classification: Uncertain significance. Last evaluated: 2024-02-27. Review status: criteria provided, single submitter. Criteria: GeneDx Variant Classification Process June 2021. Collection method: clinical testing. Allele origin: germline. Affected: yes.
Comment: Has not been previously published as pathogenic or benign to our knowledge; In silico analysis is inconclusive as to whether the variant alters gene splicing. In the absence of RNA/functional studies, the actual effect of this sequence change is unknown.

Women's Health and Genetics/Laboratory Corporation of America, LabCorp
Classification: Uncertain significance. Last evaluated: 2022-03-05. Review status: criteria provided, single submitter. Criteria: LabCorp Variant Classification Summary - May 2015. Collection method: clinical testing. Allele origin: germline.

Eurofins Ntd Llc (ga)
Classification: Uncertain significance. Last evaluated: 2017-12-11. Review status: criteria provided, single submitter. Criteria: EGL Classification Definitions 2015. Collection method: clinical testing. Allele origin: germline. Observed: 2 variant alleles, 2 heterozygotes.

NM_001267550.2(TTN):c.20837-6T>C

Genes: TTN (titin; minus strand), LOC126806428 (BRD4-independent group 4 enhancer GRCh37_chr2:179588362-179589561; plus strand). Cytogenetic location: 2q31.2.
Variant type: single nucleotide variant.
Coding change: c.20837-6T>C on transcript NM_001267550.2 (MANE Select); 6 bases into the intron before coding-DNA position 20837, T replaced by C.
Molecular consequence: intron variant.
Genome position (GRCh38, 1-based): chr2:178,724,544, A>G on the plus strand (T>C on the coding strand, the complement: TTN is on the minus strand). VCF-style: chr2-178724544-A-G. GRCh37 (hg19) VCF-style: chr2-179589271-A-G.
Other names: c.13282+13538T>C (NM_003319.4); c.13858+13538T>C (NM_133437.4); c.13657+13538T>C (NM_133432.3); c.17105-6T>C (NM_133378.4); c.19886-6T>C (NM_001256850.1).
Identifiers: ClinVar variation 592802 (VCV000592802.10), dbSNP rs761982704, ClinGen allele CA2001134.